The following is an entry in ClinVar:

NM_020800.3(IFT80):c.847C>T (p.Gln283Ter)

Genes: TRIM59-IFT80 (TRIM59-IFT80 readthrough (NMD candidate); minus strand), IFT80 (intraflagellar transport 80; minus strand). Cytogenetic location: 3q25.33.
Variant type: single nucleotide variant.
Coding change: c.847C>T on transcript NM_020800.3 (MANE Select); coding-DNA position 847, C replaced by T.
Protein change: p.Gln283Ter; replaces glutamine 283 with a stop codon.
Molecular consequence: nonsense. On other transcripts: non-coding transcript variant (3).
Genome position (GRCh38, 1-based): chr3:160,319,870, G>A on the plus strand (C>T on the coding strand, the complement: IFT80 is on the minus strand). VCF-style: chr3-160319870-G-A. GRCh37 (hg19) VCF-style: chr3-160037658-G-A.
Other names: c.436C>T, p.Gln146Ter (NM_001190241.2, NM_001190242.2); short protein forms Q146*, Q283*.
Identifiers: ClinVar variation 2717161 (VCV002717161.4), dbSNP rs760164436, ClinGen allele CA2685327.
Genomic context (GRCh38, chr3:160,319,870, plus strand): 5'-AATGTTGTTCCACCACATGTGCAAAAACGACATGTCCATTTCCACAGGCTCCAGCAATCT[G>A]AGTGCCATCGATAGACCATGCAATATTAAATATGCTGCCAGTGTTGGGTTTTTCTAATGC-3'

ClinVar aggregate classification (germline): Pathogenic/Likely pathogenic. Review status: criteria provided, multiple submitters, no conflicts (2 of 4 stars). 2 submissions from 2 submitters: Pathogenic (1); Likely pathogenic (1). Last evaluated 2024-10-28.

Conditions:
IFT80-related disorder. Also called: IFT80-related condition.
Jeune thoracic dystrophy. Also called: Jeune syndrome; Infantile thoracic dystrophy; Thoracic pelvic phalangeal dystrophy; Jeune's syndrome; Chondroectodermal dysplasia-like syndrome; Short-rib thoracic dysplasia. Identifiers: Orphanet 474, MedGen C0265275, MONDO:0018770.

Allele frequency attached by ClinVar (database versions not stated): gnomAD exomes below 0.00001; ExAC 0.00001.
gnomAD v4.1: 4 of 1,612,724 alleles (0.00025%); highest among the groups gnomAD compares: Non-Finnish European, 0.00025%; no homozygotes.

Submissions (2):

Blueprint Genetics
Classification: Likely pathogenic for IFT80-related disorders. Last evaluated: 2024-10-28. Review status: criteria provided, single submitter. Criteria: ACMG Guidelines, 2015. Collection method: clinical testing. Allele origin: germline. Affected: yes. Observed: 2 variant alleles.

Labcorp Genetics (formerly Invitae), Labcorp
Classification: Pathogenic for Jeune thoracic dystrophy. Last evaluated: 2024-01-06. Review status: criteria provided, single submitter. Criteria: Invitae Variant Classification Sherloc (09022015). Collection method: clinical testing. Allele origin: germline.
Comment: This sequence change creates a premature translational stop signal (p.Gln283*) in the IFT80 gene. It is expected to result in an absent or disrupted protein product. Loss-of-function variants in IFT80 are known to be pathogenic (PMID: 21227999, 23339108, 29068549). This variant is present in population databases (rs760164436, gnomAD 0.0009%). This variant has not been reported in the literature in individuals affected with IFT80-related conditions. For these reasons, this variant has been classified as Pathogenic.

Literature cited by the submitters: PubMed 21227999 (cited by Labcorp Genetics (formerly Invitae), Labcorp); PubMed 23339108 (cited by Labcorp Genetics (formerly Invitae), Labcorp); PubMed 29068549 (cited by Labcorp Genetics (formerly Invitae), Labcorp).